The following is an entry in ClinVar:

ClinVar aggregate classification (germline): Likely benign (1 of 4 stars; one submission).

Allele frequency attached by ClinVar (database versions not stated): 1000 Genomes Project 0.02656; 1000 Genomes Project 30x 0.02764; gnomAD 0.03398 and 0.03554; TOPMed 0.03727.
gnomAD v4.1: 5,297 of 152,284 alleles (3.5%); highest among the groups gnomAD compares: Middle Eastern, 9.2%; 133 homozygotes.

Submission:

GeneDx
Classification: Likely benign. Last evaluated: 2018-06-15. Review status: criteria provided, single submitter. Criteria: GeneDx Variant Classification (06012015). Collection method: clinical testing. Allele origin: germline. Affected: yes.
Comment: This variant is considered likely benign or benign based on one or more of the following criteria: it is a conservative change, it occurs at a poorly conserved position in the protein, it is predicted to be benign by multiple in silico algorithms, and/or has population frequency not consistent with disease.

NM_024675.4(PALB2):c.211+166T>C

Gene: PALB2 (partner and localizer of BRCA2; minus strand). Cytogenetic location: 16p12.2.
Variant type: single nucleotide variant.
Coding change: c.211+166T>C on transcript NM_024675.4 (MANE Select); 166 bases into the intron after coding-DNA position 211, T replaced by C.
Molecular consequence: intron variant.
Genome position (GRCh38, 1-based): chr16:23,637,684, A>G on the plus strand (T>C on the coding strand, the complement: PALB2 is on the minus strand). VCF-style: chr16-23637684-A-G. GRCh37 (hg19) VCF-style: chr16-23649005-A-G.
Identifiers: ClinVar variation 677008 (VCV000677008.1), dbSNP rs116577988, ClinGen allele CA279501637.